The following is an entry in ClinVar:

ClinVar aggregate classification (germline): Conflicting classifications of pathogenicity. Review status: criteria provided, conflicting classifications (1 of 4 stars). 5 submissions from 4 submitters: Uncertain significance (2); Likely benign (2). 1 of the submissions does not count toward it. Last evaluated 2025-12-30.

Conditions:
TCF3-related disorder. Also called: TCF3-related condition.
Agammaglobulinemia 8, autosomal dominant (AGM8A). Also called: AGAMMAGLOBULINEMIA, AUTOSOMAL DOMINANT, DUE TO TCF3 DEFECT; AGAMMAGLOBULINEMIA 8A, AUTOSOMAL DOMINANT. Identifiers: MedGen C4310786, MONDO:0014840, OMIM 616941.
Agammaglobulinemia 8b, autosomal recessive. Also called: AGAMMAGLOBULINEMIA, AUTOSOMAL RECESSIVE, DUE TO TCF3 DEFECT. Identifiers: MedGen C5676958, MONDO:0859234, OMIM 619824.

Allele frequency attached by ClinVar (database versions not stated): ExAC 0.00030; gnomAD exomes 0.00031; gnomAD 0.00036 and 0.00037; TOPMed 0.00043; 1000 Genomes Project 30x 0.00047; 1000 Genomes Project 0.00060.
gnomAD v4.1: 247 of 1,611,958 alleles (0.015%); highest among the groups gnomAD compares: East Asian, 0.16%; no homozygotes.

Submissions (5):

Labcorp Genetics (formerly Invitae), Labcorp
Classification: Likely benign. Last evaluated: 2025-12-30. Review status: criteria provided, single submitter. Criteria: Invitae Variant Classification Sherloc (09022015). Collection method: clinical testing. Allele origin: germline.

Blueprint Genetics
Classification: Likely benign. Last evaluated: 2024-09-17. Review status: criteria provided, single submitter. Criteria: ACMG Guidelines, 2015. Collection method: clinical testing. Allele origin: germline.

Center for Genomics, Ann and Robert H. Lurie Children's Hospital of Chicago
Classification: Uncertain significance for Agammaglobulinemia 8, autosomal dominant. Last evaluated: 2019-11-19. Review status: criteria provided, single submitter. Criteria: ACMG Guidelines, 2015. Collection method: clinical testing. Allele origin: germline.
Comment: TCF3 NM_003200.3 exon 6 p.Gly103Ser (c.307G>A): This variant has not been reported in the literature but is present in 0.2% (59/19784) of East Asian alleles in the Genome Aggregation Database. This variant amino acid Serine (Ser) is present in >20 species and is not well conserved among evolutionarily distant species; this suggests that this variant may not impact the protein. Additional computational prediction tools do not suggest an impact. In summary, data on this variant is insufficient for disease classification. Therefore, the clinical significance of this variant is uncertain.

Center for Genomics, Ann and Robert H. Lurie Children's Hospital of Chicago
Classification: Uncertain significance for Agammaglobulinemia 8b, autosomal recessive; Agammaglobulinemia 8, autosomal dominant. Review status: criteria provided, single submitter. Criteria: ACMG Guidelines, 2015. Collection method: clinical testing. Allele origin: germline.
Comment: the same text as in the submission from Center for Genomics, Ann and Robert H. Lurie Children's Hospital of Chicago above.

PreventionGenetics, part of Exact Sciences
Classification: Likely benign for TCF3-related condition. Last evaluated: 2024-07-02. Review status: no assertion criteria provided. Collection method: clinical testing. Allele origin: germline. Not counted in ClinVar's aggregate classification.
Comment: This variant is classified as likely benign based on ACMG/AMP sequence variant interpretation guidelines (Richards et al. 2015 PMID: 25741868, with internal and published modifications).

NM_003200.5(TCF3):c.307G>A (p.Gly103Ser)

Gene: TCF3 (transcription factor 3; minus strand). Cytogenetic location: 19p13.3.
Variant type: single nucleotide variant.
Coding change: c.307G>A on transcript NM_003200.5 (MANE Select); coding-DNA position 307, G replaced by A.
Protein change: p.Gly103Ser; replaces glycine 103 with serine.
Molecular consequence: missense variant.
Genome position (GRCh38, 1-based): chr19:1,627,418, C>T on the plus strand (G>A on the coding strand, the complement: TCF3 is on the minus strand). VCF-style: chr19-1627418-C-T. GRCh37 (hg19) VCF-style: chr19-1627417-C-T.
Other names: c.307G>A, p.Gly103Ser (NM_001136139.4, NM_001351778.2, NM_001351779.2); short protein forms G103S.
Identifiers: ClinVar variation 730318 (VCV000730318.15), dbSNP rs201841190, ClinGen allele CA9050461.